The following is an entry in ClinVar:

ClinVar aggregate classification (germline): Pathogenic (1 of 4 stars; one submission).

Conditions:
Cardiovascular phenotype. Identifiers: MedGen CN230736.

Submission:

Ambry Genetics
Classification: Pathogenic for Cardiovascular phenotype. Last evaluated: 2024-10-30. Review status: criteria provided, single submitter. Criteria: Ambry Variant Classification Scheme 2023. Collection method: clinical testing. Allele origin: germline.
Comment: The c.2359_2366delTCCTGCAC pathogenic mutation, located in coding exon 24 of the MYBPC3 gene, results from a deletion of 8 nucleotides at nucleotide positions 2359 to 2366, causing a translational frameshift with a predicted alternate stop codon (p.C788Tfs*42). This variant is considered to be rare based on population cohorts in the Genome Aggregation Database (gnomAD). This alteration is expected to result in loss of function by premature protein truncation or nonsense-mediated mRNA decay. As such, this alteration is interpreted as a disease-causing mutation.

NM_000256.3(MYBPC3):c.2359_2366del (p.Cys788fs)

Gene: MYBPC3 (myosin binding protein C3; minus strand). Cytogenetic location: 11p11.2.
Variant type: Deletion.
Coding change: c.2359_2366del on transcript NM_000256.3 (MANE Select); coding-DNA positions 2359 to 2366, 8 bases deleted (TCCTGCAC; older notation c.2359_2366delTCCTGCAC).
Protein change: p.Cys788fs; shifts the reading frame from cysteine 788.
Molecular consequence: frameshift variant.
Genome position (GRCh38, 1-based): chr11:47,337,737-47,337,744, GTGCAGGA deleted on the plus strand (TCCTGCAC on the coding strand, the reverse complement: MYBPC3 is on the minus strand); deleting any 8 consecutive bases within chr11:47,337,737-47,337,746 gives the same sequence; the c. name uses the placement nearest the transcript's 3' end. VCF-style (leftmost placement, unchanged base first): chr11-47337736-TGTGCAGGA-T. GRCh37 (hg19) VCF-style: chr11-47359287-TGTGCAGGA-T.
Other names: c.2359_2366delTCCTGCAC (NM_000256.3); short protein forms C788fs.
Identifiers: ClinVar variation 3400423 (VCV003400423.1).